The following is an entry in ClinVar:

NM_145239.3(PRRT2):c.41T>C (p.Val14Ala)

Genes: MVP-DT (MVP divergent transcript; minus strand), PRRT2 (proline rich transmembrane protein 2; plus strand). Cytogenetic location: 16p11.2.
Variant type: single nucleotide variant.
Coding change: c.41T>C on transcript NM_145239.3 (MANE Select); coding-DNA position 41, T replaced by C.
Protein change: p.Val14Ala; replaces valine 14 with alanine.
Molecular consequence: missense variant.
Genome position (GRCh38, 1-based): chr16:29,813,095, T>C. VCF-style: chr16-29813095-T-C. GRCh37 (hg19) VCF-style: chr16-29824416-T-C.
Other names: c.41T>C, p.Val14Ala (NM_001256442.2, NM_001256443.2); short protein forms V14A.
Identifiers: ClinVar variation 3681768 (VCV003681768.2).

ClinVar aggregate classification (germline): Uncertain significance (1 of 4 stars; one submission).

Conditions:
Episodic kinesigenic dyskinesia (EKD). Also called: Paroxysmal kinesigenic dyskinesia. Identifiers: Orphanet 98809, MedGen C1868682, MONDO:0044202.

gnomAD v4.1: 4 of 1,612,624 alleles (0.00025%); highest among the groups gnomAD compares: Non-Finnish European, 0.00034%; no homozygotes.

Submission:

Labcorp Genetics (formerly Invitae), Labcorp
Classification: Uncertain significance for Episodic kinesigenic dyskinesia. Last evaluated: 2024-04-27. Review status: criteria provided, single submitter. Criteria: Invitae Variant Classification Sherloc (09022015). Collection method: clinical testing. Allele origin: germline.
Comment: This sequence change replaces valine, which is neutral and non-polar, with alanine, which is neutral and non-polar, at codon 14 of the PRRT2 protein (p.Val14Ala). This variant is not present in population databases (gnomAD no frequency). This variant has not been reported in the literature in individuals affected with PRRT2-related conditions. Advanced modeling of protein sequence and biophysical properties (such as structural, functional, and spatial information, amino acid conservation, physicochemical variation, residue mobility, and thermodynamic stability) performed at Invitae indicates that this missense variant is not expected to disrupt PRRT2 protein function with a negative predictive value of 95%. In summary, the available evidence is currently insufficient to determine the role of this variant in disease. Therefore, it has been classified as a Variant of Uncertain Significance.